The following is an entry in ClinVar:

ClinVar aggregate classification (germline): Uncertain significance. Review status: criteria provided, multiple submitters, no conflicts (2 of 4 stars). 4 submissions from 4 submitters: Uncertain significance (4). Last evaluated 2026-07-01.

Conditions:
Inborn genetic diseases. Identifiers: MedGen C0950123, MeSH D030342.
Familial focal epilepsy with variable foci (FPEVF). Identifiers: Orphanet 98820, MedGen C1858477, MONDO:0020310.
Epilepsy, familial focal, with variable foci 1 (FFEVF1). Also called: DEPDC5-Related Epilepsy. Identifiers: MedGen C4551983, MONDO:0024556, OMIM 604364.

Allele frequency attached by ClinVar (database versions not stated): gnomAD exomes 0.00003; ExAC 0.00004; gnomAD 0.00008 and 0.00009; TOPMed 0.00009; ESP Exome Variant Server 0.00016.

Submissions (4):

CeGaT Center for Human Genetics Tuebingen
Classification: Uncertain significance. Last evaluated: 2026-07-01. Review status: criteria provided, single submitter. Criteria: CeGaT Center For Human Genetics Tuebingen Variant Classification Criteria Version 2. Collection method: clinical testing. Allele origin: germline. Affected: yes. Observed: 1 variant allele.
Comment: DEPDC5: PM2

Labcorp Genetics (formerly Invitae), Labcorp
Classification: Uncertain significance for Familial focal epilepsy with variable foci. Last evaluated: 2025-08-20. Review status: criteria provided, single submitter. Criteria: Invitae Variant Classification Sherloc (09022015). Collection method: clinical testing. Allele origin: germline.
Comment: This sequence change replaces methionine, which is neutral and non-polar, with valine, which is neutral and non-polar, at codon 1005 of the DEPDC5 protein (p.Met1005Val). This variant is present in population databases (rs367860294, gnomAD 0.03%). This variant has not been reported in the literature in individuals affected with DEPDC5-related conditions. ClinVar contains an entry for this variant (Variation ID: 653624). Experimental studies and prediction algorithms are not available or were not evaluated, and the functional significance of this variant is currently unknown. In summary, the available evidence is currently insufficient to determine the role of this variant in disease. Therefore, it has been classified as a Variant of Uncertain Significance.

Pittsburgh Clinical Genomics Laboratory, University of Pittsburgh Medical Center
Classification: Uncertain significance for Epilepsy, familial focal, with variable foci 1. Last evaluated: 2023-03-14. Review status: criteria provided, single submitter. Criteria: ACMG Guidelines, 2015. Collection method: clinical testing. Allele origin: germline. Inheritance: Autosomal dominant inheritance. Affected: yes.
Comment: This sequence variant is a single nucleotide substitution (A>G) in the DEPDC5 gene at coding position 2986 which results in a methionine to valine amino acid change at residue 996 in the DEPDC5 protein. This is a previously reported variant (ClinVar) which has not been observed in the medical literature in individuals with DEPDC5-related disease, to our knowledge. This variant is rare in the gnomAD control population dataset (10/278600 alleles or 0.004%). Multiple bioinformatic tools are inconsistent in their predictions if this variant is likely to be damaging or tolerated. The Met996 residue is highly conserved in mammals. Functiol studies assessing the effect of this variant on protein structure or activity have not been performed, to our knowledge. At this time, there is insufficient evidence to determine if this variant is pathogenic or benign. Therefore, we consider it to be a variant of uncertain significance. ACMG Criteria: BP1, PM2

Ambry Genetics
Classification: Uncertain significance for Inborn genetic diseases. Last evaluated: 2021-07-27. Review status: criteria provided, single submitter. Criteria: Ambry Variant Classification Scheme 2023. Collection method: clinical testing. Allele origin: germline.

NM_001242896.3(DEPDC5):c.3013A>G (p.Met1005Val)

Gene: DEPDC5 (DEP domain containing 5, GATOR1 subcomplex subunit; plus strand). Cytogenetic location: 22q12.3.
Variant type: single nucleotide variant.
Coding change: c.3013A>G on transcript NM_001242896.3 (MANE Select); coding-DNA position 3013, A replaced by G.
Protein change: p.Met1005Val; replaces methionine 1005 with valine.
Molecular consequence: missense variant. On other transcripts: non-coding transcript variant (5).
Genome position (GRCh38, 1-based): chr22:31,845,229, A>G. VCF-style: chr22-31845229-A-G. GRCh37 (hg19) VCF-style: chr22-32241215-A-G.
Other names: c.2986A>G, p.Met996Val (NM_001136029.4, NM_001369903.1, NM_014662.6); c.2779A>G, p.Met927Val (NM_001242897.2, NM_001363854.2, NM_001364319.2); c.3013A>G, p.Met1005Val (NM_001363852.2, NM_001364318.2, NM_001364320.2); c.2929A>G, p.Met977Val (NM_001369901.1, NM_001369902.1); c.2986A>G (NM_001136029.3); short protein forms M927V, M977V, M1005V, M996V.
Identifiers: ClinVar variation 653624 (VCV000653624.13), dbSNP rs367860294, ClinGen allele CA10196844.